The following is an entry in ClinVar:

NM_001127255.2(NLRP7):c.3083C>T (p.Thr1028Met)

Genes: NCR1 (natural cytotoxicity triggering receptor 1), NLRP7 (NLR family pyrin domain containing 7; minus strand). Cytogenetic location: 19q13.42.
Variant type: single nucleotide variant.
Coding change: c.3083C>T on transcript NM_001127255.2 (MANE Select); coding-DNA position 3083, C replaced by T.
Protein change: p.Thr1028Met; replaces threonine 1028 with methionine.
Molecular consequence: missense variant.
Genome position (GRCh38, 1-based): chr19:54,923,771, G>A on the plus strand (C>T on the coding strand, the complement: NLRP7 is on the minus strand). VCF-style: chr19-54923771-G-A. GRCh37 (hg19) VCF-style: chr19-55435139-G-A.
Other names: c.3083C>T, p.Thr1028Met (NM_001405531.1); c.2999C>T, p.Thr1000Met (NM_139176.4); c.2912C>T, p.Thr971Met (NM_206828.4); short protein forms T971M, T1028M, T1000M.
Identifiers: ClinVar variation 330155 (VCV000330155.17), dbSNP rs144955489, ClinGen allele CA310001915.

ClinVar aggregate classification (germline): Uncertain significance. Review status: criteria provided, multiple submitters, no conflicts (2 of 4 stars). 4 submissions from 4 submitters: Uncertain significance (4). Last evaluated 2026-05-01.

Conditions:
Inborn genetic diseases. Identifiers: MedGen C0950123, MeSH D030342.
Hydatidiform mole, recurrent, 1 (HYDM1). Identifiers: Orphanet 254688, Orphanet 99927, MedGen C3463897, MONDO:0009273, OMIM 231090. Disease mechanism: loss of function.

Allele frequency attached by ClinVar (database versions not stated): TOPMed 0.00014; gnomAD 0.00021 and 0.00022; ESP Exome Variant Server 0.00031.
gnomAD v4.1: 337 of 1,613,678 alleles (0.021%); highest among the groups gnomAD compares: Non-Finnish European, 0.024%; no homozygotes.

Submissions (4):

CeGaT Center for Human Genetics Tuebingen
Classification: Uncertain significance. Last evaluated: 2026-05-01. Review status: criteria provided, single submitter. Criteria: CeGaT Center For Human Genetics Tuebingen Variant Classification Criteria Version 2. Collection method: clinical testing. Allele origin: germline. Affected: yes. Observed: 2 variant alleles.
Comment: NLRP7: PM2, BP4

Ambry Genetics
Classification: Uncertain significance for Inborn genetic diseases. Last evaluated: 2021-10-27. Review status: criteria provided, single submitter. Criteria: Ambry Variant Classification Scheme 2023. Collection method: clinical testing. Allele origin: germline.

Illumina Laboratory Services, Illumina
Classification: Uncertain significance for Hydatidiform mole, recurrent, 1. Last evaluated: 2018-01-13. Review status: criteria provided, single submitter. Criteria: ICSL Variant Classification Criteria 13 December 2019. Collection method: clinical testing. Allele origin: germline.

Breakthrough Genomics
Classification: Uncertain significance. Review status: criteria provided, single submitter. Criteria: ACMG Guidelines, 2015. Collection method: not provided. Allele origin: germline. Inheritance: Autosomal dominant inheritance. Affected: yes.